The following is an entry in ClinVar:

NM_000061.3(BTK):c.1631+6T>G

Gene: BTK (Bruton tyrosine kinase; minus strand). Cytogenetic location: Xq22.1.
Variant type: single nucleotide variant.
Coding change: c.1631+6T>G on transcript NM_000061.3 (MANE Select); 6 bases into the intron after coding-DNA position 1631, T replaced by G.
Molecular consequence: intron variant.
Genome position (GRCh38, 1-based): chrX:101,354,624, A>C on the plus strand (T>G on the coding strand, the complement: BTK is on the minus strand). VCF-style: chrX-101354624-A-C. GRCh37 (hg19) VCF-style: chrX-100609612-A-C.
Other names: c.1733+6T>G (NM_001287344.2); c.1103+6T>G (NM_001287345.2).
Identifiers: ClinVar variation 1389568 (VCV001389568.6), dbSNP rs2147425735, ClinGen allele CA2573159066.
Genomic context (GRCh38, chrX:101,354,624, plus strand): 5'-ACCTACCCATGTTTCATACTGTGCTATTTTTACTTCTGGAGGGAAAGATGAAAAAGCCAC[A>C]CTCACCTGGACAGGCCGAAATCAGATACTTTAACAACTCCTTGATCGTTTACCAAACAGT-3'

ClinVar aggregate classification (germline): Uncertain significance (1 of 4 stars; one submission).

Conditions:
X-linked agammaglobulinemia with growth hormone deficiency (IGHD3). Also called: AGAMMAGLOBULINEMIA AND ISOLATED GROWTH HORMONE DEFICIENCY, X-LINKED; ISOLATED GROWTH HORMONE DEFICIENCY, TYPE III, WITH AGAMMAGLOBULINEMIA; FLEISHER SYNDROME; HYPOGAMMAGLOBULINEMIA AND ISOLATED GROWTH HORMONE DEFICIENCY, X-LINKED; Isolated growth hormone deficiency type 3; Growth hormone deficiency with hypogammaglobulinemia. Identifiers: Orphanet 231692, Orphanet 631, MedGen C0472813, MONDO:0010615, OMIM 307200.

Submission:

Labcorp Genetics (formerly Invitae), Labcorp
Classification: Uncertain significance for X-linked agammaglobulinemia with growth hormone deficiency. Last evaluated: 2021-04-22. Review status: criteria provided, single submitter. Criteria: Invitae Variant Classification Sherloc (09022015). Collection method: clinical testing. Allele origin: germline.
Comment: In summary, the available evidence is currently insufficient to determine the role of this variant in disease. Therefore, it has been classified as a Variant of Uncertain Significance. Nucleotide substitutions within the consensus splice site are a relatively common cause of aberrant splicing (PMID: 17576681, 9536098). Algorithms developed to predict the effect of sequence changes on RNA splicing suggest that this variant is not likely to affect RNA splicing, but this prediction has not been confirmed by published transcriptional studies. This variant has not been reported in the literature in individuals with BTK-related conditions. This variant is not present in population databases (ExAC no frequency). This sequence change falls in intron 16 of the BTK gene. It does not directly change the encoded amino acid sequence of the BTK protein. It affects a nucleotide within the consensus splice site of the intron.

Literature cited by the submitters: PubMed 17576681; PubMed 9536098.